The following is an entry in ClinVar:

ClinVar aggregate classification (germline): Uncertain significance (1 of 4 stars; one submission).

Conditions:
Inborn genetic diseases. Identifiers: MedGen C0950123, MeSH D030342.

Submission:

Ambry Genetics
Classification: Uncertain significance for Inborn genetic diseases. Last evaluated: 2023-01-11. Review status: criteria provided, single submitter. Criteria: Ambry Variant Classification Scheme 2023. Collection method: clinical testing. Allele origin: germline.
Comment: The p.Q859H variant (also known as c.2577A>C), located in coding exon 17 of the PIK3CA gene, results from an A to C substitution at nucleotide position 2577. The glutamine at codon 859 is replaced by histidine, an amino acid with highly similar properties. This amino acid position is conserved. In addition, the in silico prediction for this alteration is inconclusive. Since supporting evidence is limited at this time, the clinical significance of this alteration remains unclear.

NM_006218.4(PIK3CA):c.2577A>C (p.Gln859His)

Gene: PIK3CA (phosphatidylinositol-4,5-bisphosphate 3-kinase catalytic subunit alpha; plus strand). Cytogenetic location: 3q26.32.
Variant type: single nucleotide variant.
Coding change: c.2577A>C on transcript NM_006218.4 (MANE Select); coding-DNA position 2577, A replaced by C.
Protein change: p.Gln859His; replaces glutamine 859 with histidine.
Molecular consequence: missense variant.
Genome position (GRCh38, 1-based): chr3:179,229,353, A>C. VCF-style: chr3-179229353-A-C. GRCh37 (hg19) VCF-style: chr3-178947141-A-C.
Other names: short protein forms Q859H.
Identifiers: ClinVar variation 2453448 (VCV002453448.2), dbSNP rs1411811692, ClinGen allele CA355278205.
Genomic context (GRCh38, chr3:179,229,353, plus strand): 5'-GTCAATCGGTGACTGTGTGGGACTTATTGAGGTGGTGCGAAATTCTCACACTATTATGCA[A>C]ATTCAGTGCAAAGGCGGCTTGAAAGGTGCACTGCAGTTCAACAGCCACACACTACATCAG-3'
Protein context (NP_006209.2, residues 849-869): EVVRNSHTIM[Gln859His]IQCKGGLKGA